The following is an entry in ClinVar:

NM_001379110.1(SLC9A6):c.743C>T (p.Ser248Phe)

Gene: SLC9A6 (solute carrier family 9 member A6; plus strand). Cytogenetic location: Xq26.3.
Variant type: single nucleotide variant.
Coding change: c.743C>T on transcript NM_001379110.1 (MANE Select); coding-DNA position 743, C replaced by T.
Protein change: p.Ser248Phe; replaces serine 248 with phenylalanine.
Molecular consequence: missense variant.
Genome position (GRCh38, 1-based): chrX:136,002,213, C>T. VCF-style: chrX-136002213-C-T. GRCh37 (hg19) VCF-style: chrX-135084372-C-T.
Other names: c.743C>T, p.Ser248Phe (NM_001400909.1, NM_001400910.1, NM_001400911.1 and 2 more transcripts); c.647C>T, p.Ser216Phe (NM_001400913.1, NM_001330652.2); c.803C>T, p.Ser268Phe (NM_006359.3); c.899C>T, p.Ser300Phe (NM_001042537.2); c.803C>T (NM_006359.2); short protein forms S300F, S268F, S216F, S248F.
Identifiers: ClinVar variation 3649667 (VCV003649667.3).

ClinVar aggregate classification (germline): Uncertain significance. Review status: criteria provided, multiple submitters, no conflicts (2 of 4 stars). 2 submissions from 2 submitters: Uncertain significance (2). Last evaluated 2025-05-20.

Conditions:
Christianson syndrome (MRXSCH). Also called: X-linked mental retardation, syndromic, Christianson type; SLC9A6-Related Syndromic Mental Retardation; INTELLECTUAL DEVELOPMENTAL DISORDER, X-LINKED, SYNDROMIC, CHRISTIANSON TYPE. Identifiers: Orphanet 85278, MedGen C2678194, MONDO:0010278, OMIM 300243.

Submissions (2):

GeneDx
Classification: Uncertain significance. Last evaluated: 2025-05-20. Review status: criteria provided, single submitter. Criteria: GeneDx Variant Classification Process June 2021. Collection method: clinical testing. Allele origin: germline. Affected: yes.
Comment: Not observed at significant frequency in large population cohorts (gnomAD); In silico analysis supports that this missense variant has a deleterious effect on protein structure/function; Has not been previously published as pathogenic or benign to our knowledge

Labcorp Genetics (formerly Invitae), Labcorp
Classification: Uncertain significance for Christianson syndrome. Last evaluated: 2024-04-12. Review status: criteria provided, single submitter. Criteria: Invitae Variant Classification Sherloc (09022015). Collection method: clinical testing. Allele origin: germline.
Comment: This sequence change replaces serine, which is neutral and polar, with phenylalanine, which is neutral and non-polar, at codon 268 of the SLC9A6 protein (p.Ser268Phe). This variant is not present in population databases (gnomAD no frequency). This variant has not been reported in the literature in individuals affected with SLC9A6-related conditions. An algorithm developed to predict the effect of missense changes on protein structure and function (PolyPhen-2) suggests that this variant is likely to be disruptive. In summary, the available evidence is currently insufficient to determine the role of this variant in disease. Therefore, it has been classified as a Variant of Uncertain Significance.